The following is an entry in ClinVar:

ClinVar aggregate classification (germline): Uncertain significance (1 of 4 stars; one submission).

Conditions:
Atrial fibrillation, familial, 18 (ATFB18). Identifiers: MedGen C4310636, MONDO:0015001, OMIM 617280.

Allele frequency attached by ClinVar (database versions not stated): gnomAD 0.00005 and 0.00006; gnomAD exomes 0.00007 and 0.00014; ESP Exome Variant Server 0.00015; TOPMed 0.00005; ExAC 0.00006.
gnomAD v4.1: 207 of 1,614,052 alleles (0.013%); highest among the groups gnomAD compares: Non-Finnish European, 0.017%; no homozygotes.

Submission:

Labcorp Genetics (formerly Invitae), Labcorp
Classification: Uncertain significance for Atrial fibrillation, familial, 18. Last evaluated: 2026-01-27. Review status: criteria provided, single submitter. Criteria: Invitae Variant Classification Sherloc (09022015). Collection method: clinical testing. Allele origin: germline.
Comment: This sequence change replaces histidine, which is basic and polar, with arginine, which is basic and polar, at codon 122 of the MYL4 protein (p.His122Arg). The frequency data for this variant in the population databases is considered unreliable, as metrics indicate poor data quality at this position in the gnomAD database. This variant has not been reported in the literature in individuals affected with MYL4-related conditions. ClinVar contains an entry for this variant (Variation ID: 572152). An algorithm developed to predict the effect of missense changes on protein structure and function (PolyPhen-2) suggests that this variant is likely to be disruptive. In summary, the available evidence is currently insufficient to determine the role of this variant in disease. Therefore, it has been classified as a Variant of Uncertain Significance.

NM_002476.2(MYL4):c.365A>G (p.His122Arg)

Gene: MYL4 (myosin light chain 4; plus strand). Cytogenetic location: 17q21.32.
Variant type: single nucleotide variant.
Coding change: c.365A>G on transcript NM_002476.2 (MANE Select); coding-DNA position 365, A replaced by G.
Protein change: p.His122Arg; replaces histidine 122 with arginine.
Molecular consequence: missense variant.
Genome position (GRCh38, 1-based): chr17:47,221,733, A>G. VCF-style: chr17-47221733-A-G. GRCh37 (hg19) VCF-style: chr17-45299099-A-G.
Other names: c.365A>G, p.His122Arg (NM_001002841.2); short protein forms H122R.
Identifiers: ClinVar variation 572152 (VCV000572152.8), dbSNP rs376695433, ClinGen allele CA8622728.